The following is an entry in ClinVar:

NM_004385.5(VCAN):c.2271T>G (p.Ser757Arg)

Gene: VCAN (versican; plus strand). Cytogenetic location: 5q14.3.
Variant type: single nucleotide variant.
Coding change: c.2271T>G on transcript NM_004385.5 (MANE Select); coding-DNA position 2271, T replaced by G.
Protein change: p.Ser757Arg; replaces serine 757 with arginine.
Molecular consequence: missense variant. On other transcripts: intron variant (2).
Genome position (GRCh38, 1-based): chr5:83,520,577, T>G. VCF-style: chr5-83520577-T-G. GRCh37 (hg19) VCF-style: chr5-82816396-T-G.
Other names: c.2271T>G, p.Ser757Arg (NM_001164098.2); c.1042+8181T>G (NM_001164097.2, NM_001126336.3); short protein forms S757R.
Identifiers: ClinVar variation 1957859 (VCV001957859.6), dbSNP rs1746046529, ClinGen allele CA360303569.

ClinVar aggregate classification (germline): Uncertain significance. Review status: criteria provided, multiple submitters, no conflicts (2 of 4 stars). 2 submissions from 2 submitters: Uncertain significance (2). Last evaluated 2025-01-15.

Submissions (2):

Labcorp Genetics (formerly Invitae), Labcorp
Classification: Uncertain significance. Last evaluated: 2025-01-15. Review status: criteria provided, single submitter. Criteria: Invitae Variant Classification Sherloc (09022015). Collection method: clinical testing. Allele origin: germline.
Comment: This sequence change replaces serine, which is neutral and polar, with arginine, which is basic and polar, at codon 757 of the VCAN protein (p.Ser757Arg). This variant is not present in population databases (gnomAD no frequency). This variant has not been reported in the literature in individuals affected with VCAN-related conditions. ClinVar contains an entry for this variant (Variation ID: 1957859). An algorithm developed to predict the effect of missense changes on protein structure and function (PolyPhen-2) suggests that this variant is likely to be tolerated. In summary, the available evidence is currently insufficient to determine the role of this variant in disease. Therefore, it has been classified as a Variant of Uncertain Significance.

Blueprint Genetics
Classification: Uncertain significance. Last evaluated: 2022-10-07. Review status: criteria provided, single submitter. Criteria: ACMG Guidelines, 2015. Collection method: clinical testing. Allele origin: germline.